The following is an entry in ClinVar:

ClinVar aggregate classification (germline): Benign (1 of 4 stars; one submission).

Conditions:
Peutz-Jeghers syndrome (PJS). Also called: POLYPOSIS, HAMARTOMATOUS INTESTINAL; POLYPS-AND-SPOTS SYNDROME; Peutz-Jeghers polyposis; Periorificial lentiginosis syndrome. Identifiers: Orphanet 2869, MedGen C0031269, MeSH D010580, MONDO:0008280, OMIM 175200.

Submission:

Myriad Genetics, Inc.
Classification: Benign for Peutz-Jeghers syndrome. Last evaluated: 2025-03-31. Review status: criteria provided, single submitter. Criteria: Myriad Autosomal Dominant, Autosomal Recessive and X-Linked Classification Criteria (2023). Collection method: clinical testing. Allele origin: unknown.
Comment: This variant is considered benign. This variant occurs in the non-coding 3' untranslated region of the gene, and is not expected to impact protein function.

NM_000455.5(STK11):c.*6G>T

Gene: STK11 (serine/threonine kinase 11; plus strand). Cytogenetic location: 19p13.3.
Variant type: single nucleotide variant.
Coding change: c.*6G>T on transcript NM_000455.5 (MANE Select); 6 bases downstream of the stop codon, G replaced by T.
Molecular consequence: 3 prime UTR variant. On other transcripts: non-coding transcript variant (1).
Genome position (GRCh38, 1-based): chr19:1,226,653, G>T. VCF-style: chr19-1226653-G-T. GRCh37 (hg19) VCF-style: chr19-1226652-G-T.
Identifiers: ClinVar variation 3903940 (VCV003903940.1).